The following is an entry in ClinVar:

NM_000203.5(IDUA):c.1373T>C (p.Leu458Pro)

Gene: IDUA (alpha-L-iduronidase; plus strand). Cytogenetic location: 4p16.3.
Variant type: single nucleotide variant.
Coding change: c.1373T>C on transcript NM_000203.5 (MANE Select); coding-DNA position 1373, T replaced by C.
Protein change: p.Leu458Pro; replaces leucine 458 with proline.
Molecular consequence: missense variant. On other transcripts: non-coding transcript variant (1).
Genome position (GRCh38, 1-based): chr4:1,002,915, T>C. VCF-style: chr4-1002915-T-C. GRCh37 (hg19) VCF-style: chr4-996703-T-C.
Other names: c.977T>C, p.Leu326Pro (NM_001363576.1); short protein forms L326P, L458P.
Identifiers: ClinVar variation 4847607 (VCV004847607.1).

ClinVar aggregate classification (germline): Likely pathogenic (1 of 4 stars; one submission).

Conditions:
Mucopolysaccharidosis type 1. Also called: IDUA deficiency; MPS I; Mucopolysaccharidosis Type I. Identifiers: Orphanet 579, MedGen C0023786, MONDO:0001586.

Submission:

Women's Health and Genetics/Laboratory Corporation of America, LabCorp
Classification: Likely pathogenic for Mucopolysaccharidosis type 1. Last evaluated: 2026-03-30. Review status: criteria provided, single submitter. Criteria: LabCorp Variant Classification Summary - May 2015. Collection method: clinical testing. Allele origin: germline.
Comment: Variant summary: IDUA c.1373T>C (p.Leu458Pro) results in a non-conservative amino acid change in the encoded protein sequence. Algorithms developed to predict the effect of missense changes on protein structure and function are either unavailable or do not agree on the potential impact of this missense change. The variant was absent in 21918 control chromosomes. c.1373T>C has been observed in multiple homozygous individuals of Indian descent affected with clinical features and/or diagnosis of Mucopolysaccharidosis Type 1 (Thomas_2021), including at least 1 family where it segregated with disease. These data indicate that the variant is very likely to be associated with disease, however the possibility of a subpopulation-specific common polymorphism cannot be entirely ruled out. While patient data suggest decreased enzymatic activity, the quality of the methods/assays could not be validated (example, Thomas_2021). The following publication has been ascertained in the context of this evaluation (PMID: 33301762). No submitters have cited clinical-significance assessments for this variant to ClinVar. Based on the evidence outlined above, the variant was classified as likely pathogenic.

Literature cited by the submitters: PubMed 33301762.